The following is an entry in ClinVar:

ClinVar aggregate classification (germline): Uncertain significance (1 of 4 stars; one submission).

Submission:

Labcorp Genetics (formerly Invitae), Labcorp
Classification: Uncertain significance. Last evaluated: 2025-05-08. Review status: criteria provided, single submitter. Criteria: Invitae Variant Classification Sherloc (09022015). Collection method: clinical testing. Allele origin: germline.
Comment: This variant, c.2330_2347del, results in the deletion of 6 amino acid(s) of the ZFHX3 protein (p.Val777_Ala782del), but otherwise preserves the integrity of the reading frame. The frequency data for this variant in the population databases is considered unreliable, as metrics indicate poor data quality at this position in the gnomAD database. This variant has not been reported in the literature in individuals affected with ZFHX3-related conditions. Experimental studies and prediction algorithms are not available or were not evaluated, and the functional significance of this variant is currently unknown. In summary, the available evidence is currently insufficient to determine the role of this variant in disease. Therefore, it has been classified as a Variant of Uncertain Significance.

NM_006885.4(ZFHX3):c.2330_2347del (p.Val777_Ala782del)

Gene: ZFHX3 (zinc finger homeobox 3; minus strand). Cytogenetic location: 16q22.3.
Variant type: Deletion.
Coding change: c.2330_2347del on transcript NM_006885.4 (MANE Select); coding-DNA positions 2330 to 2347, 18 bases deleted (TGGCTGCGGCGGCGGCGG).
Protein change: p.Val777_Ala782del.
Molecular consequence: inframe deletion. On other transcripts: intron variant (1).
Genome position (GRCh38, 1-based): chr16:72,957,799-72,957,816, CCGCCGCCGCCGCAGCCA deleted on the plus strand (TGGCTGCGGCGGCGGCGG on the coding strand, the reverse complement: ZFHX3 is on the minus strand); deleting any 18 consecutive bases within chr16:72,957,799-72,957,829 gives the same sequence; the c. name uses the placement nearest the transcript's 3' end. VCF-style (leftmost placement, unchanged base first): chr16-72957798-GCCGCCGCCGCCGCAGCCA-G. GRCh37 (hg19) VCF-style: chr16-72991697-GCCGCCGCCGCCGCAGCCA-G.
Other names: c.2330_2347del, p.Val777_Ala782del (NM_001386735.1); c.-23-6851_-23-6834del (NM_001164766.2).
Identifiers: ClinVar variation 4736846 (VCV004736846.1).